The following is an entry in ClinVar:

NM_147127.5(EVC2):c.1791T>G (p.Tyr597Ter)

Gene: EVC2 (EvC ciliary complex subunit 2; minus strand). Cytogenetic location: 4p16.2.
Variant type: single nucleotide variant.
Coding change: c.1791T>G on transcript NM_147127.5 (MANE Select); coding-DNA position 1791, T replaced by G.
Protein change: p.Tyr597Ter; replaces tyrosine 597 with a stop codon.
Molecular consequence: nonsense.
Genome position (GRCh38, 1-based): chr4:5,628,654, A>C on the plus strand (T>G on the coding strand, the complement: EVC2 is on the minus strand). VCF-style: chr4-5628654-A-C. GRCh37 (hg19) VCF-style: chr4-5630381-A-C.
Other names: c.1551T>G, p.Tyr517Ter (NM_001166136.2); short protein forms Y517*, Y597*.
Identifiers: ClinVar variation 2076256 (VCV002076256.6), dbSNP rs1716303868, ClinGen allele CA356147706.

ClinVar aggregate classification (germline): Pathogenic/Likely pathogenic. Review status: criteria provided, multiple submitters, no conflicts (2 of 4 stars). 2 submissions from 2 submitters: Pathogenic (1); Likely pathogenic (1). Last evaluated 2023-02-08.

Conditions:
Curry-Hall syndrome (WAD). Also called: WEYERS ACRODENTAL DYSOSTOSIS. Identifiers: Orphanet 952, MedGen C0457013, MONDO:0008673, OMIM 193530.
Ellis-van Creveld syndrome (EVC). Also called: MESOECTODERMAL DYSPLASIA; Chondroectodermal dysplasia. Identifiers: Orphanet 289, MedGen C0013903, MONDO:0009162, OMIM 225500.

Submissions (2):

Labcorp Genetics (formerly Invitae), Labcorp
Classification: Pathogenic for Curry-Hall syndrome; Ellis-van Creveld syndrome. Last evaluated: 2023-02-08. Review status: criteria provided, single submitter. Criteria: Invitae Variant Classification Sherloc (09022015). Collection method: clinical testing. Allele origin: germline.
Comment: This sequence change creates a premature translational stop signal (p.Tyr597*) in the EVC2 gene. It is expected to result in an absent or disrupted protein product. Loss-of-function variants in EVC2 are known to be pathogenic (PMID: 17024374, 19810119, 19876929). For these reasons, this variant has been classified as Pathogenic. This variant has not been reported in the literature in individuals affected with EVC2-related conditions. This variant is not present in population databases (gnomAD no frequency).

Juno Genomics, Hangzhou Juno Genomics, Inc
Classification: Likely pathogenic for Ellis-van Creveld syndrome; Curry-Hall syndrome. Review status: criteria provided, single submitter. Criteria: ACMG Guidelines, 2015. Collection method: clinical testing. Allele origin: germline.
Comment: Null variant in a gene where loss of function (LOF) is a known mechanism of disease.;Absent from controls (or at extremely low frequency if recessive) in Genome Aggregation Database.

Literature cited by the submitters: PubMed 17024374 (cited by Labcorp Genetics (formerly Invitae), Labcorp); PubMed 19810119 (cited by Labcorp Genetics (formerly Invitae), Labcorp); PubMed 19876929 (cited by Labcorp Genetics (formerly Invitae), Labcorp).